The following is an entry in ClinVar:

NM_006767.4(LZTR1):c.1676T>A (p.Leu559Ter)

Gene: LZTR1 (leucine zipper like post translational regulator 1; plus strand). Cytogenetic location: 22q11.21.
Variant type: single nucleotide variant.
Coding change: c.1676T>A on transcript NM_006767.4 (MANE Select); coding-DNA position 1676, T replaced by A.
Protein change: p.Leu559Ter; replaces leucine 559 with a stop codon.
Molecular consequence: nonsense.
Genome position (GRCh38, 1-based): chr22:20,994,618, T>A. VCF-style: chr22-20994618-T-A. GRCh37 (hg19) VCF-style: chr22-21348907-T-A.
Other names: p.(Leu559*); short protein forms L559*.
Identifiers: ClinVar variation 2627558 (VCV002627558.2), dbSNP rs2518621757, ClinGen allele CA410776767.
Genomic context (GRCh38, chr22:20,994,618, plus strand): 5'-GCCATGTGGAGGATGTGCTGCTCATCATGGATGTGTACAAACTGGCACTGAGCTTCCAGT[T>A]GTGCCGCCTGGAGCAGCTGTGCCGCCAGTACATCGAGGCCTCCGTGGACCTGCAGAACGT-3'

ClinVar aggregate classification (germline): Pathogenic (1 of 4 stars; one submission).

Conditions:
Noonan syndrome 2 (NS2). Identifiers: Orphanet 648, MedGen C1854469, MONDO:0011531, OMIM 605275.

Submission:

Center of Genomic medicine, Geneva, University Hospital of Geneva
Classification: Pathogenic for Noonan syndrome 2. Last evaluated: 2023-03-31. Review status: criteria provided, single submitter. Criteria: ACMG Guidelines, 2015. Collection method: clinical testing. Allele origin: paternal. Affected: yes. Observed: 2 variant alleles.
Comment: This variant is present in compound heterozygosity with another variant in the same gene